The following is an entry in ClinVar:

ClinVar aggregate classification (germline): Uncertain significance. Review status: criteria provided, multiple submitters, no conflicts (2 of 4 stars). 3 submissions from 3 submitters: Uncertain significance (2). 1 of the submissions does not count toward it. Last evaluated 2024-08-09.

Conditions:
Usher syndrome type 1 (USH1). Also called: RETINITIS PIGMENTOSA AND CONGENITAL DEAFNESS. Identifiers: Orphanet 231169, Orphanet 886, MedGen C1568247, MONDO:0010168, OMIM 276900.

Allele frequency attached by ClinVar (database versions not stated): gnomAD 0.00002 and 0.00003; gnomAD exomes 0.00002 and 0.00005; ExAC 0.00003; TOPMed 0.00003; ESP Exome Variant Server 0.00016.
gnomAD v4.1: 71 of 1,613,816 alleles (0.0044%); highest among the groups gnomAD compares: Non-Finnish European, 0.0052%; no homozygotes.

Submissions (3):

Labcorp Genetics (formerly Invitae), Labcorp
Classification: Uncertain significance. Last evaluated: 2024-08-09. Review status: criteria provided, single submitter. Criteria: Invitae Variant Classification Sherloc (09022015). Collection method: clinical testing. Allele origin: germline.
Comment: This sequence change replaces alanine, which is neutral and non-polar, with threonine, which is neutral and polar, at codon 1815 of the CDH23 protein (p.Ala1815Thr). This variant is present in population databases (rs199581934, gnomAD 0.008%). This variant has not been reported in the literature in individuals affected with CDH23-related conditions. ClinVar contains an entry for this variant (Variation ID: 851507). Advanced modeling of protein sequence and biophysical properties (such as structural, functional, and spatial information, amino acid conservation, physicochemical variation, residue mobility, and thermodynamic stability) performed at Invitae indicates that this missense variant is not expected to disrupt CDH23 protein function with a negative predictive value of 95%. In summary, the available evidence is currently insufficient to determine the role of this variant in disease. Therefore, it has been classified as a Variant of Uncertain Significance.

Blueprint Genetics
Classification: Uncertain significance. Last evaluated: 2023-06-01. Review status: criteria provided, single submitter. Criteria: ACMG Guidelines, 2015. Collection method: clinical testing. Allele origin: germline.

Natera, Inc.
Classification: Uncertain significance for Usher syndrome type 1. Last evaluated: 2020-01-24. Review status: no assertion criteria provided. Collection method: clinical testing. Allele origin: germline. Not counted in ClinVar's aggregate classification.

NM_022124.6(CDH23):c.5443G>A (p.Ala1815Thr)

Gene: CDH23 (cadherin related 23; plus strand). Cytogenetic location: 10q22.1.
Variant type: single nucleotide variant.
Coding change: c.5443G>A on transcript NM_022124.6 (MANE Select); coding-DNA position 5443, G replaced by A.
Protein change: p.Ala1815Thr; replaces alanine 1815 with threonine.
Molecular consequence: missense variant.
Genome position (GRCh38, 1-based): chr10:71,784,361, G>A. VCF-style: chr10-71784361-G-A. GRCh37 (hg19) VCF-style: chr10-73544118-G-A.
Other names: short protein forms A1815T.
Identifiers: ClinVar variation 851507 (VCV000851507.6), dbSNP rs199581934, ClinGen allele CA5545755.